The following is an entry in ClinVar:

ClinVar aggregate classification (germline): Likely benign. Review status: criteria provided, multiple submitters, no conflicts (2 of 4 stars). 3 submissions from 3 submitters: Likely benign (3). Last evaluated 2023-10-04.

Conditions:
Ehlers-Danlos syndrome, kyphoscoliotic type 1 (EDSKSCL1). Also called: EHLERS-DANLOS SYNDROME, TYPE VIA; EHLERS-DANLOS SYNDROME, OCULAR-SCOLIOTIC TYPE; PLOD1-Related Kyphoscoliotic Ehlers-Danlos Syndrome; Ehlers-Danlos syndrome, hydroxylysine-deficient. Identifiers: Orphanet 1900, MedGen C0268342, MONDO:0016002, OMIM 225400. Disease mechanism: loss of function.
Familial thoracic aortic aneurysm and aortic dissection (TAAD). Also called: Thoracic aortic aneurysms and dissections. Identifiers: Orphanet 91387, MedGen C4707243, MONDO:0019625.

Allele frequency attached by ClinVar (database versions not stated): gnomAD exomes below 0.00001; TOPMed below 0.00001; ExAC 0.00001; gnomAD 0.00001.
gnomAD v4.1: 21 of 1,613,538 alleles (0.0013%); highest among the groups gnomAD compares: Non-Finnish European, 0.0018%; no homozygotes.

Submissions (3):

Labcorp Genetics (formerly Invitae), Labcorp
Classification: Likely benign for Ehlers-Danlos syndrome, kyphoscoliotic type 1. Last evaluated: 2023-10-04. Review status: criteria provided, single submitter. Criteria: Invitae Variant Classification Sherloc (09022015). Collection method: clinical testing. Allele origin: germline.

Ambry Genetics
Classification: Likely benign for Familial thoracic aortic aneurysm and aortic dissection. Last evaluated: 2019-07-08. Review status: criteria provided, single submitter. Criteria: Ambry Variant Classification Scheme 2023. Collection method: clinical testing. Allele origin: germline.

GeneDx
Classification: Likely benign. Last evaluated: 2017-11-20. Review status: criteria provided, single submitter. Criteria: GeneDx Variant Classification (06012015). Collection method: clinical testing. Allele origin: germline. Affected: yes.
Comment: This variant is considered likely benign or benign based on one or more of the following criteria: it is a conservative change, it occurs at a poorly conserved position in the protein, it is predicted to be benign by multiple in silico algorithms, and/or has population frequency not consistent with disease.

NM_000302.4(PLOD1):c.1461C>T (p.Ile487=)

Gene: PLOD1 (procollagen-lysine,2-oxoglutarate 5-dioxygenase 1; plus strand). Cytogenetic location: 1p36.22.
Variant type: single nucleotide variant.
Coding change: c.1461C>T on transcript NM_000302.4 (MANE Select); coding-DNA position 1461, C replaced by T.
Protein change: p.Ile487=; no amino-acid change (isoleucine 487 retained).
Molecular consequence: synonymous variant.
Genome position (GRCh38, 1-based): chr1:11,964,776, C>T. VCF-style: chr1-11964776-C-T. GRCh37 (hg19) VCF-style: chr1-12024833-C-T.
Other names: c.1602C>T, p.Ile534= (NM_001316320.2).
Identifiers: ClinVar variation 513362 (VCV000513362.11), dbSNP rs746099980, ClinGen allele CA598391.